The following is an entry in ClinVar:

NM_004304.5(ALK):c.2893C>G (p.Leu965Val)

Gene: ALK (ALK receptor tyrosine kinase; minus strand). Cytogenetic location: 2p23.2.
Variant type: single nucleotide variant.
Coding change: c.2893C>G on transcript NM_004304.5 (MANE Select); coding-DNA position 2893, C replaced by G.
Protein change: p.Leu965Val; replaces leucine 965 with valine.
Molecular consequence: missense variant.
Genome position (GRCh38, 1-based): chr2:29,227,595, G>C on the plus strand (C>G on the coding strand, the complement: ALK is on the minus strand). VCF-style: chr2-29227595-G-C. GRCh37 (hg19) VCF-style: chr2-29450461-G-C.
Other names: short protein forms L965V.
Identifiers: ClinVar variation 4721075 (VCV004721075.1).

ClinVar aggregate classification (germline): Uncertain significance (1 of 4 stars; one submission).

Conditions:
Neuroblastoma, susceptibility to, 3. Also called: ALK-Related Neuroblastic Tumor Susceptibility. Identifiers: Orphanet 635, MedGen C2751681, MONDO:0013083, OMIM 613014.

Submission:

Labcorp Genetics (formerly Invitae), Labcorp
Classification: Uncertain significance for Neuroblastoma, susceptibility to, 3. Last evaluated: 2025-06-09. Review status: criteria provided, single submitter. Criteria: Invitae Variant Classification Sherloc (09022015). Collection method: clinical testing. Allele origin: germline.
Comment: This sequence change replaces leucine, which is neutral and non-polar, with valine, which is neutral and non-polar, at codon 965 of the ALK protein (p.Leu965Val). This variant is not present in population databases (gnomAD no frequency). This variant has not been reported in the literature in individuals affected with ALK-related conditions. An algorithm developed to predict the effect of missense changes on protein structure and function (PolyPhen-2) suggests that this variant is likely to be disruptive. In summary, the available evidence is currently insufficient to determine the role of this variant in disease. Therefore, it has been classified as a Variant of Uncertain Significance.